The following is an entry in ClinVar:

ClinVar aggregate classification (germline): Uncertain significance (1 of 4 stars; one submission).

Conditions:
Menkes kinky-hair syndrome (MNK). Also called: Copper transport disease; Menkes Disease; Classic Menkes Disease. Identifiers: Orphanet 565, MedGen C0022716, MONDO:0010651, OMIM 309400.
X-linked distal spinal muscular atrophy type 3. Also called: ATP7A-Related Distal Motor Neuropathy; SPINAL MUSCULAR ATROPHY, DISTAL, X-LINKED RECESSIVE; NEURONOPATHY, DISTAL HEREDITARY MOTOR, X-LINKED; NEUROPATHY, DISTAL HEREDITARY MOTOR, X-LINKED. Identifiers: Orphanet 139557, MedGen C1845359, MONDO:0010338, OMIM 300489.
Cutis laxa, X-linked (OHS). Also called: EDS IX; Occipital horn syndrome. Identifiers: Orphanet 198, MedGen C0268353, MONDO:0010572, OMIM 304150.

gnomAD v4.1: 12 of 1,211,376 alleles (0.00099%); highest among the groups gnomAD compares: Non-Finnish European, 0.0012%; no homozygotes.

Submission:

Labcorp Genetics (formerly Invitae), Labcorp
Classification: Uncertain significance for X-linked distal spinal muscular atrophy type 3; Cutis laxa, X-linked; Menkes kinky-hair syndrome. Last evaluated: 2025-03-10. Review status: criteria provided, single submitter. Criteria: Invitae Variant Classification Sherloc (09022015). Collection method: clinical testing. Allele origin: germline.
Comment: This sequence change replaces glutamic acid, which is acidic and polar, with glutamine, which is neutral and polar, at codon 436 of the ATP7A protein (p.Glu436Gln). This variant is not present in population databases (gnomAD no frequency). This variant has not been reported in the literature in individuals affected with ATP7A-related conditions. ClinVar contains an entry for this variant (Variation ID: 2072337). Invitae Evidence Modeling of protein sequence and biophysical properties (such as structural, functional, and spatial information, amino acid conservation, physicochemical variation, residue mobility, and thermodynamic stability) indicates that this missense variant is not expected to disrupt ATP7A protein function with a negative predictive value of 95%. In summary, the available evidence is currently insufficient to determine the role of this variant in disease. Therefore, it has been classified as a Variant of Uncertain Significance.

NM_000052.7(ATP7A):c.1306G>C (p.Glu436Gln)

Gene: ATP7A (ATPase copper transporting alpha; plus strand). Cytogenetic location: Xq21.1.
Variant type: single nucleotide variant.
Coding change: c.1306G>C on transcript NM_000052.7 (MANE Select); coding-DNA position 1306, G replaced by C.
Protein change: p.Glu436Gln; replaces glutamic acid 436 with glutamine.
Molecular consequence: missense variant.
Genome position (GRCh38, 1-based): chrX:77,989,928, G>C. VCF-style: chrX-77989928-G-C. GRCh37 (hg19) VCF-style: chrX-77245424-G-C.
Other names: c.1306G>C, p.Glu436Gln (NM_001282224.2); short protein forms E436Q.
Identifiers: ClinVar variation 2072337 (VCV002072337.4), dbSNP rs782717793, ClinGen allele CA413602252.